The following is an entry in ClinVar:

ClinVar aggregate classification (germline): Uncertain significance (1 of 4 stars; one submission).

Submission:

Labcorp Genetics (formerly Invitae), Labcorp
Classification: Uncertain significance. Last evaluated: 2024-08-19. Review status: criteria provided, single submitter. Criteria: Invitae Variant Classification Sherloc (09022015). Collection method: clinical testing. Allele origin: germline.
Comment: This sequence change replaces alanine, which is neutral and non-polar, with glycine, which is neutral and non-polar, at codon 1669 of the FOCAD protein (p.Ala1669Gly). This variant is not present in population databases (gnomAD no frequency). This variant has not been reported in the literature in individuals affected with FOCAD-related conditions. Experimental studies and prediction algorithms are not available or were not evaluated, and the functional significance of this variant is currently unknown. In summary, the available evidence is currently insufficient to determine the role of this variant in disease. Therefore, it has been classified as a Variant of Uncertain Significance.

NM_001375567.1(FOCAD):c.5006C>G (p.Ala1669Gly)

Gene: FOCAD (focadhesin; plus strand). Cytogenetic location: 9p21.3.
Variant type: single nucleotide variant.
Coding change: c.5006C>G on transcript NM_001375567.1 (MANE Select); coding-DNA position 5006, C replaced by G.
Protein change: p.Ala1669Gly; replaces alanine 1669 with glycine.
Molecular consequence: missense variant.
Genome position (GRCh38, 1-based): chr9:20,990,124, C>G. VCF-style: chr9-20990124-C-G. GRCh37 (hg19) VCF-style: chr9-20990123-C-G.
Other names: c.4901C>G, p.Ala1634Gly (NM_001375568.1, NM_001375570.1); c.5006C>G, p.Ala1669Gly (NM_017794.5); short protein forms A1669G, A1634G.
Identifiers: ClinVar variation 3662801 (VCV003662801.2).